The following is an entry in ClinVar:

NM_012344.4(NTSR2):c.1164G>A (p.Pro388=)

Gene: NTSR2 (neurotensin receptor 2; minus strand). Cytogenetic location: 2p25.1.
Variant type: single nucleotide variant.
Coding change: c.1164G>A on transcript NM_012344.4 (MANE Select); coding-DNA position 1164, G replaced by A.
Protein change: p.Pro388=; no amino-acid change (proline 388 retained).
Molecular consequence: synonymous variant.
Genome position (GRCh38, 1-based): chr2:11,658,548, C>T on the plus strand (G>A on the coding strand, the complement: NTSR2 is on the minus strand). VCF-style: chr2-11658548-C-T. GRCh37 (hg19) VCF-style: chr2-11798674-C-T.
Identifiers: ClinVar variation 2650686 (VCV002650686.24), dbSNP rs138784927, ClinGen allele CA1532965.

ClinVar aggregate classification (germline): Likely benign (1 of 4 stars; one submission).

Allele frequency attached by ClinVar (database versions not stated): gnomAD exomes 0.00099; gnomAD 0.00121; ExAC 0.00123; ESP Exome Variant Server 0.00169.
gnomAD v4.1: 1,605 of 1,614,120 alleles (0.099%); highest among the groups gnomAD compares: Non-Finnish European, 0.12%; 7 homozygotes.

Submission:

CeGaT Center for Human Genetics Tuebingen
Classification: Likely benign. Last evaluated: 2022-07-01. Review status: criteria provided, single submitter. Criteria: CeGaT Center For Human Genetics Tuebingen Variant Classification Criteria Version 2. Collection method: clinical testing. Allele origin: germline. Affected: yes. Observed: 1 variant allele.
Comment: NTSR2: BP4, BP7